The following is an entry in ClinVar:

NM_014915.3(ANKRD26):c.3593G>C (p.Ser1198Thr)

Gene: ANKRD26 (ankyrin repeat domain containing 26; minus strand). Cytogenetic location: 10p12.1.
Variant type: single nucleotide variant.
Coding change: c.3593G>C on transcript NM_014915.3 (MANE Select); coding-DNA position 3593, G replaced by C.
Protein change: p.Ser1198Thr; replaces serine 1198 with threonine.
Molecular consequence: missense variant.
Genome position (GRCh38, 1-based): chr10:27,034,857, C>G on the plus strand (G>C on the coding strand, the complement: ANKRD26 is on the minus strand). VCF-style: chr10-27034857-C-G. GRCh37 (hg19) VCF-style: chr10-27323786-C-G.
Other names: c.3590G>C, p.Ser1197Thr (NM_001256053.2); short protein forms S1198T, S1197T.
Identifiers: ClinVar variation 3913106 (VCV003913106.1).

ClinVar aggregate classification (germline): Uncertain significance (1 of 4 stars; one submission).

Conditions:
Inborn genetic diseases. Identifiers: MedGen C0950123, MeSH D030342.

Submission:

Ambry Genetics
Classification: Uncertain significance for Inborn genetic diseases. Last evaluated: 2025-03-22. Review status: criteria provided, single submitter. Criteria: Ambry Variant Classification Scheme 2023. Collection method: clinical testing. Allele origin: germline.
Comment: The p.S1198T variant (also known as c.3593G>C), located in coding exon 24 of the ANKRD26 gene, results from a G to C substitution at nucleotide position 3593. The serine at codon 1198 is replaced by threonine, an amino acid with similar properties. This amino acid position is conserved. In addition, this alteration is predicted to be tolerated by in silico analysis. Based on the available evidence, the clinical significance of this variant remains unclear.